The following is an entry in ClinVar:

ClinVar aggregate classification (germline): Benign. Review status: criteria provided, multiple submitters, no conflicts (2 of 4 stars). 4 submissions from 4 submitters: Benign (3). 1 of the submissions does not count toward it. Last evaluated 2026-02-02.

Conditions:
SH3KBP1-related disorder. Also called: SH3KBP1-related condition.

Allele frequency attached by ClinVar (database versions not stated): gnomAD exomes 0.01366 and 0.00526; ExAC 0.01726; gnomAD 0.04423 and 0.04730; 1000 Genomes Project 0.04848; 1000 Genomes Project 30x 0.04953; TOPMed 0.05012; ESP Exome Variant Server 0.05756.
gnomAD v4.1: 10,967 of 1,207,757 alleles (0.91%); highest among the groups gnomAD compares: African/African-American, 15%; 539 homozygotes.

Submissions (13):

Labcorp Genetics (formerly Invitae), Labcorp
Classification: Benign. Last evaluated: 2026-02-02. Review status: criteria provided, single submitter. Criteria: Invitae Variant Classification Sherloc (09022015). Collection method: clinical testing. Allele origin: germline.

Women's Health and Genetics/Laboratory Corporation of America, LabCorp
Classification: Benign. Last evaluated: 2026-01-21. Review status: criteria provided, single submitter. Criteria: LabCorp Variant Classification Summary - May 2015. Collection method: clinical testing. Allele origin: germline.

Breakthrough Genomics
Classification: Benign. Review status: criteria provided, single submitter. Criteria: ACMG Guidelines, 2015. Collection method: not provided. Allele origin: germline. Inheritance: X-linked inheritance. Affected: yes.

PreventionGenetics, part of Exact Sciences
Classification: Benign for SH3KBP1-related condition. Last evaluated: 2020-01-16. Review status: no assertion criteria provided. Collection method: clinical testing. Allele origin: germline. Not counted in ClinVar's aggregate classification.
Comment: This variant is classified as benign based on ACMG/AMP sequence variant interpretation guidelines (Richards et al. 2015 PMID: 25741868, with internal and published modifications).

Dr. Peter K. Rogan Lab, Western University
No classification provided (evidence only). Condition: Lung cancer. Review status: no classification provided. Collection method: in vitro. Allele origin: not applicable. Functional consequence: retained intron. Not counted in ClinVar's aggregate classification.

Dr. Peter K. Rogan Lab, Western University
No classification provided (evidence only). Condition: Lung cancer. Review status: no classification provided. Collection method: in vitro. Allele origin: not applicable. Functional consequence: skipped exon. Not counted in ClinVar's aggregate classification.

Dr. Peter K. Rogan Lab, Western University
No classification provided (evidence only). Condition: Uterine corpus endometrial carcinoma. Review status: no classification provided. Collection method: in vitro. Allele origin: not applicable. Functional consequence: retained intron. Not counted in ClinVar's aggregate classification.

Dr. Peter K. Rogan Lab, Western University
No classification provided (evidence only). Condition: Uterine corpus endometrial carcinoma. Review status: no classification provided. Collection method: in vitro. Allele origin: not applicable. Functional consequence: retained intron. Not counted in ClinVar's aggregate classification.

Dr. Peter K. Rogan Lab, Western University
No classification provided (evidence only). Condition: Uterine corpus endometrial carcinoma. Review status: no classification provided. Collection method: in vitro. Allele origin: not applicable. Functional consequence: retained intron. Not counted in ClinVar's aggregate classification.

Dr. Peter K. Rogan Lab, Western University
No classification provided (evidence only). Condition: Uterine corpus endometrial carcinoma. Review status: no classification provided. Collection method: in vitro. Allele origin: not applicable. Functional consequence: retained intron. Not counted in ClinVar's aggregate classification.

Dr. Peter K. Rogan Lab, Western University
No classification provided (evidence only). Condition: Cervical cancer. Review status: no classification provided. Collection method: in vitro. Allele origin: not applicable. Functional consequence: retained intron. Not counted in ClinVar's aggregate classification.

Dr. Peter K. Rogan Lab, Western University
No classification provided (evidence only). Condition: Sarcoma. Review status: no classification provided. Collection method: in vitro. Allele origin: not applicable. Functional consequence: retained intron. Not counted in ClinVar's aggregate classification.

Dr. Peter K. Rogan Lab, Western University
No classification provided (evidence only). Condition: Ovarian serous cystadenocarcinoma. Review status: no classification provided. Collection method: in vitro. Allele origin: not applicable. Functional consequence: retained intron. Not counted in ClinVar's aggregate classification.

NM_031892.3(SH3KBP1):c.984G>A (p.Pro328=)

Gene: SH3KBP1 (SH3 domain containing kinase binding protein 1; minus strand). Cytogenetic location: Xp22.12.
Variant type: single nucleotide variant.
Coding change: c.984G>A on transcript NM_031892.3 (MANE Select); coding-DNA position 984, G replaced by A.
Protein change: p.Pro328=; no amino-acid change (proline 328 retained).
Molecular consequence: synonymous variant.
Genome position (GRCh38, 1-based): chrX:19,607,959, C>T on the plus strand (G>A on the coding strand, the complement: SH3KBP1 is on the minus strand). VCF-style: chrX-19607959-C-T. GRCh37 (hg19) VCF-style: chrX-19626077-C-T.
Other names: c.873G>A, p.Pro291= (NM_001024666.3); c.270G>A, p.Pro90= (NM_001184960.2, NM_001353897.2); c.984G>A, p.Pro328= (NM_001353890.2); c.1059G>A, p.Pro353= (NM_001353891.2, NM_001353892.2); c.882G>A, p.Pro294= (NM_001353893.2, NM_001353894.2); c.939G>A, p.Pro313= (NM_001353895.2); c.1059G>A (NM_001353891.1).
Identifiers: ClinVar variation 1165692 (VCV001165692.14), dbSNP rs3747357, ClinGen allele CA10364681.